The following is an entry in ClinVar:

NM_025136.4(OPA3):c.327_347del (p.His110_Arg116del)

Genes: OPA3 (outer mitochondrial membrane lipid metabolism regulator OPA3; minus strand), OPA3-RTN2 (OPA3-RTN2 readthrough; minus strand). Cytogenetic location: 19q13.32.
Variant type: Deletion.
Coding change: c.327_347del on transcript NM_025136.4 (MANE Select); coding-DNA positions 327 to 347, 21 bases deleted (CCACAAGGAGGAGGAGCAGCG).
Protein change: p.His110_Arg116del.
Molecular consequence: inframe deletion. On other transcripts: intron variant (1).
Genome position (GRCh38, 1-based): chr19:45,553,707-45,553,727, CGCTGCTCCTCCTCCTTGTGG deleted on the plus strand (CCACAAGGAGGAGGAGCAGCG on the coding strand, the reverse complement: OPA3 is on the minus strand); deleting any 21 consecutive bases within chr19:45,553,707-45,553,734 gives the same sequence; the c. name uses the placement nearest the transcript's 3' end. VCF-style (leftmost placement, unchanged base first): chr19-45553706-ACGCTGCTCCTCCTCCTTGTGG-A. GRCh37 (hg19) VCF-style: chr19-46056964-ACGCTGCTCCTCCTCCTTGTGG-A.
Other names: c.143-24271_143-24251del (NM_001017989.3).
Identifiers: ClinVar variation 5004386 (VCV005004386.1).

ClinVar aggregate classification (germline): Uncertain significance (1 of 4 stars; one submission).

Conditions:
3-Methylglutaconic aciduria type 3 (MGCA3). Also called: OPA3-Related 3-Methylglutaconic Aciduria; OPA3, AUTOSOMAL RECESSIVE; OPTIC ATROPHY 3, AUTOSOMAL RECESSIVE; Costeff Syndrome. Identifiers: Orphanet 67047, MedGen C0574084, MONDO:0009787, OMIM 258501.

Submission:

Myriad Genetics, Inc.
Classification: Uncertain significance for 3-Methylglutaconic aciduria type 3. Last evaluated: 2026-01-20. Review status: criteria provided, single submitter. Criteria: Myriad Autosomal Dominant, Autosomal Recessive and X-Linked Classification Criteria (2023). Collection method: clinical testing. Allele origin: unknown.
Comment: NM_025136.3(OPA3):c.327_347del21(H110_R116del) is an in-frame deletion classified as a variant of uncertain significance in the context of Costeff optic atrophy syndrome. H110_R116del has not been observed in cases with relevant disease. Relevant functional assessments of this variant are not available in the literature. H110_R116del has not been observed in referenced population frequency databases. In summary, there is insufficient evidence to classify NM_025136.3(OPA3):c.327_347del21(H110_R116del) as pathogenic or benign. Please note: this variant was assessed in the context of healthy population screening.